The following is an entry in ClinVar:

NM_007294.4(BRCA1):c.-2A>G

Gene: BRCA1 (BRCA1 DNA repair associated; minus strand). Cytogenetic location: 17q21.31.
Variant type: single nucleotide variant.
Coding change: c.-2A>G on transcript NM_007294.4 (MANE Select); 2 bases upstream of the start codon, A replaced by G.
Molecular consequence: 5 prime UTR variant. On other transcripts: intron variant (36).
Genome position (GRCh38, 1-based): chr17:43,124,098, T>C on the plus strand (A>G on the coding strand, the complement: BRCA1 is on the minus strand). VCF-style: chr17-43124098-T-C. GRCh37 (hg19) VCF-style: chr17-41276115-T-C.
Other names: c.-262A>G (NM_001407740.1, NM_001407748.1, NM_001407752.1 and 22 more transcripts); c.-266A>G (NM_001407741.1, NM_001407934.1, NM_001408497.1); c.-89A>G (NM_001407742.1, NM_001407744.1, NM_001407750.1 and 23 more transcripts); c.-259A>G (NM_001407749.1, NM_001407842.1, NM_001407843.1 and 11 more transcripts); c.-208A>G (NM_001407751.1, NM_001407726.1); c.-139A>G (NM_001407841.1); c.-288A>G (NM_001407846.1, NM_001407920.1, NM_001407697.1); c.-190A>G (NM_001407853.1, NM_001407879.1, NM_001407882.1 and 46 more transcripts); and 23 more.
Identifiers: ClinVar variation 864976 (VCV000864976.3), dbSNP rs273899693, ClinGen allele CA916081135.

Conditions:
Breast-ovarian cancer, familial, susceptibility to, 1 (BROVCA1). Also called: BRCA1 Hereditary Breast and Ovarian Cancer; OVARIAN CANCER, SUSCEPTIBILITY TO. Identifiers: Orphanet 145, MedGen C2676676, MONDO:0011450, OMIM 604370. Disease mechanism: loss of function.

Submission:

Brotman Baty Institute, University of Washington
No classification provided (evidence only). Condition: Breast-ovarian cancer, familial 1. Review status: no classification provided. Collection method: in vitro. Allele origin: not applicable. Functional consequence: functionally_normal.
ClinVar note: "not provided" was previously submitted as the classification for the variant. However, the classification appeared to be based only on an observation of functional data so it was converted to no classification on 2025-07-30.